The following is an entry in ClinVar:

NM_002755.4(MAP2K1):c.343C>G (p.Leu115Val)

Gene: MAP2K1 (mitogen-activated protein kinase kinase 1; plus strand). Cytogenetic location: 15q22.31.
Variant type: single nucleotide variant.
Coding change: c.343C>G on transcript NM_002755.4 (MANE Select); coding-DNA position 343, C replaced by G.
Protein change: p.Leu115Val; replaces leucine 115 with valine.
Molecular consequence: missense variant.
Genome position (GRCh38, 1-based): chr15:66,436,797, C>G. VCF-style: chr15-66436797-C-G. GRCh37 (hg19) VCF-style: chr15-66729135-C-G.
Other names: short protein forms L115V.
Identifiers: ClinVar variation 40740 (VCV000040740.9), dbSNP rs1428775799, ClinGen allele CA392930543.

ClinVar aggregate classification (germline): Conflicting classifications of pathogenicity. Review status: criteria provided, conflicting classifications (1 of 4 stars). 2 submissions from 2 submitters: Likely pathogenic (1); Uncertain significance (1). Last evaluated 2020-11-13.

Conditions:
Cardiovascular phenotype. Identifiers: MedGen CN230736.
Noonan syndrome and Noonan-related syndrome. Identifiers: Orphanet 98733, MedGen C5681679, MONDO:0020297.

Submissions (2):

Ambry Genetics
Classification: Uncertain significance for Cardiovascular phenotype. Last evaluated: 2020-11-13. Review status: criteria provided, single submitter. Criteria: Ambry Variant Classification Scheme 2023. Collection method: clinical testing. Allele origin: germline.
Comment: The c.343C>G (p.L115V) alteration is located in coding exon 3 of the MAP2K1 gene. This alteration results from a C to G substitution at nucleotide position 343, causing the leucine (L) at amino acid position 115 to be replaced by a valine (V). Based on data from the Genome Aggregation Database (gnomAD), the MAP2K1 c.343C>G alteration was not observed, with coverage at this position. The p.L115 amino acid is conserved in available vertebrate species. The p.L115V amino acid is located in the catalytic serine/threonine kinase domain, which is involved in the phosphorylation of select serine and threonine residues in downstream substrates in the RAS-MAPK pathway. Most of the documented alterations arise de novo in the regulatory region and the N-terminal portion of the catalytic kinase domain comprising exons 2 and 3. Alterations in these regions are thought to interfere with protein autoinhibitory regulation and cause an abnormal gain-of-function protein. However, confirmatory data is not available. The in silico prediction for the p.L115V alteration is inconclusive. Based on insufficient or conflicting evidence, the clinical significance of this alteration remains unclear.

Genome Diagnostics Laboratory, The Hospital for Sick Children
Classification: Likely pathogenic for Noonan syndrome and Noonan-related syndrome. Last evaluated: 2018-07-01. Review status: criteria provided, single submitter. Criteria: ACMG Guidelines, 2015. Collection method: clinical testing. Allele origin: germline. Affected: yes.